The following is an entry in ClinVar:

NM_014714.4(IFT140):c.637A>C (p.Thr213Pro)

Genes: IFT140 (intraflagellar transport 140; minus strand), LOC105371046 (uncharacterized LOC105371046; plus strand). Cytogenetic location: 16p13.3.
Variant type: single nucleotide variant.
Coding change: c.637A>C on transcript NM_014714.4 (MANE Select); coding-DNA position 637, A replaced by C.
Protein change: p.Thr213Pro; replaces threonine 213 with proline.
Molecular consequence: missense variant.
Genome position (GRCh38, 1-based): chr16:1,589,778, T>G on the plus strand (A>C on the coding strand, the complement: IFT140 is on the minus strand). VCF-style: chr16-1589778-T-G. GRCh37 (hg19) VCF-style: chr16-1639779-T-G.
Other names: short protein forms T213P.
Identifiers: ClinVar variation 1361455 (VCV001361455.7), dbSNP rs2141882480, ClinGen allele CA394219024.

ClinVar aggregate classification (germline): Uncertain significance (1 of 4 stars; one submission).

Conditions:
Saldino-Mainzer syndrome (SRTD9). Also called: CONORENAL SYNDROME; Renal dysplasia, retinal pigmentary dystrophy, cerebellar ataxia and skeletal dysplasia; SHORT-RIB THORACIC DYSPLASIA 9 WITHOUT POLYDACTYLY; short-rib thoracic dysplasia 9 with or without polydactyly. Identifiers: Orphanet 140969, MedGen C1849437, MONDO:0009964, OMIM 266920.

gnomAD v4.1: 5 of 1,611,616 alleles (0.00031%); highest among the groups gnomAD compares: Non-Finnish European, 0.00042%; no homozygotes.

Submission:

Labcorp Genetics (formerly Invitae), Labcorp
Classification: Uncertain significance for Saldino-Mainzer syndrome. Last evaluated: 2025-04-16. Review status: criteria provided, single submitter. Criteria: Invitae Variant Classification Sherloc (09022015). Collection method: clinical testing. Allele origin: germline.
Comment: This sequence change replaces threonine, which is neutral and polar, with proline, which is neutral and non-polar, at codon 213 of the IFT140 protein (p.Thr213Pro). This variant is not present in population databases (gnomAD no frequency). This variant has not been reported in the literature in individuals affected with IFT140-related conditions. ClinVar contains an entry for this variant (Variation ID: 1361455). An algorithm developed to predict the effect of missense changes on protein structure and function (PolyPhen-2) suggests that this variant is likely to be tolerated. In summary, the available evidence is currently insufficient to determine the role of this variant in disease. Therefore, it has been classified as a Variant of Uncertain Significance.